The following is an entry in ClinVar:

NM_006766.5(KAT6A):c.5816A>G (p.Asn1939Ser)

Gene: KAT6A (lysine acetyltransferase 6A; minus strand). Cytogenetic location: 8p11.21.
Variant type: single nucleotide variant.
Coding change: c.5816A>G on transcript NM_006766.5 (MANE Select); coding-DNA position 5816, A replaced by G.
Protein change: p.Asn1939Ser; replaces asparagine 1939 with serine.
Molecular consequence: missense variant.
Genome position (GRCh38, 1-based): chr8:41,932,404, T>C on the plus strand (A>G on the coding strand, the complement: KAT6A is on the minus strand). VCF-style: chr8-41932404-T-C. GRCh37 (hg19) VCF-style: chr8-41789922-T-C.
Other names: short protein forms N1939S.
Identifiers: ClinVar variation 3675515 (VCV003675515.2).

ClinVar aggregate classification (germline): Uncertain significance (1 of 4 stars; one submission).

gnomAD v4.1: 5 of 1,614,060 alleles (0.00031%); highest among the groups gnomAD compares: African/African-American, 0.0013%; no homozygotes.

Submission:

Labcorp Genetics (formerly Invitae), Labcorp
Classification: Uncertain significance. Last evaluated: 2024-04-05. Review status: criteria provided, single submitter. Criteria: Invitae Variant Classification Sherloc (09022015). Collection method: clinical testing. Allele origin: germline.
Comment: This sequence change replaces asparagine, which is neutral and polar, with serine, which is neutral and polar, at codon 1939 of the KAT6A protein (p.Asn1939Ser). This variant is not present in population databases (gnomAD no frequency). This variant has not been reported in the literature in individuals affected with KAT6A-related conditions. Experimental studies and prediction algorithms are not available or were not evaluated, and the functional significance of this variant is currently unknown. In summary, the available evidence is currently insufficient to determine the role of this variant in disease. Therefore, it has been classified as a Variant of Uncertain Significance.